The following is an entry in ClinVar:

ClinVar aggregate classification (germline): Uncertain significance (1 of 4 stars; one submission).

Conditions:
Severe combined immunodeficiency, autosomal recessive, T cell-negative, B cell-negative, NK cell-positive. Also called: SCID, AR, T-cell negative, B-cell negative, NK cell-positive; Severe combined immunodeficiency due to complete RAG1/2 deficiency; SCID, T CELL-NEGATIVE, B CELL-NEGATIVE, NK CELL-POSITIVE. Identifiers: Orphanet 331206, MedGen C1832322, MONDO:0011086, OMIM 601457.
Combined immunodeficiency with skin granulomas. Identifiers: Orphanet 157949, MedGen C2673536, MONDO:0009306, OMIM 233650.

Allele frequency attached by ClinVar (database versions not stated): gnomAD 0.00001 and 0.00002; gnomAD exomes 0.00001 and 0.00003; ExAC 0.00003; 1000 Genomes Project 0.00020.

Submission:

Labcorp Genetics (formerly Invitae), Labcorp
Classification: Uncertain significance for Combined immunodeficiency with skin granulomas; Severe combined immunodeficiency, autosomal recessive, T cell-negative, B cell-negative, NK cell-positive. Last evaluated: 2022-07-19. Review status: criteria provided, single submitter. Criteria: Invitae Variant Classification Sherloc (09022015). Collection method: clinical testing. Allele origin: germline.
Comment: This sequence change replaces arginine, which is basic and polar, with cysteine, which is neutral and slightly polar, at codon 218 of the RAG1 protein (p.Arg218Cys). This variant is present in population databases (rs557360812, gnomAD 0.02%). This variant has not been reported in the literature in individuals affected with RAG1-related conditions. ClinVar contains an entry for this variant (Variation ID: 1523715). Advanced modeling of protein sequence and biophysical properties (such as structural, functional, and spatial information, amino acid conservation, physicochemical variation, residue mobility, and thermodynamic stability) performed at Invitae indicates that this missense variant is not expected to disrupt RAG1 protein function. In summary, the available evidence is currently insufficient to determine the role of this variant in disease. Therefore, it has been classified as a Variant of Uncertain Significance.

NM_000448.3(RAG1):c.652C>T (p.Arg218Cys)

Gene: RAG1 (recombination activating 1; plus strand). Cytogenetic location: 11p12.
Variant type: single nucleotide variant.
Coding change: c.652C>T on transcript NM_000448.3 (MANE Select); coding-DNA position 652, C replaced by T.
Protein change: p.Arg218Cys; replaces arginine 218 with cysteine.
Molecular consequence: missense variant.
Genome position (GRCh38, 1-based): chr11:36,573,956, C>T. VCF-style: chr11-36573956-C-T. GRCh37 (hg19) VCF-style: chr11-36595506-C-T.
Other names: c.652C>T, p.Arg218Cys (NM_001377277.1, NM_001377278.1, NM_001377279.1 and 1 more transcripts); short protein forms R218C.
Identifiers: ClinVar variation 1523715 (VCV001523715.5), dbSNP rs557360812, ClinGen allele CA5950025.